The following is an entry in ClinVar:

ClinVar aggregate classification (germline): Uncertain significance. Review status: reviewed by expert panel (3 of 4 stars). 4 submissions from 4 submitters: Uncertain significance (1). 3 of the submissions do not count toward it. Last evaluated 2025-01-07.

Conditions:
DICER1-related tumor predisposition. Also called: DICER1-related pleuropulmonary blastoma cancer predisposition syndrome; DICER1 syndrome. Identifiers: Orphanet 284343, MedGen C3839822, MONDO:0100216.
Hereditary cancer-predisposing syndrome. Also called: Tumor predisposition; Neoplastic Syndromes, Hereditary; Hereditary Cancer Syndrome; Hereditary neoplastic syndrome. Identifiers: Orphanet 140162, MedGen C0027672, MeSH D009386, MONDO:0015356.

Allele frequency attached by ClinVar (database versions not stated): gnomAD exomes below 0.00001; gnomAD 0.00001.
gnomAD v4.1: 3 of 1,609,982 alleles (0.00019%); highest among the groups gnomAD compares: African/African-American, 0.0027%; no homozygotes.

Submissions (4):

ClinGen DICER1 and miRNA-Processing Gene Variant Curation Expert Panel, ClinGen
Classification: Uncertain significance for DICER1-related tumor predisposition. Last evaluated: 2025-01-07. Review status: reviewed by expert panel. Criteria: ClinGen DICER1 ACMG Specifications DICER1 V1.3.0. Collection method: curation. Allele origin: germline. Inheritance: Autosomal dominant inheritance.
Comment: The NM_177438.3:c.2051T>C variant in DICER1 is a missense variant predicted to cause substitution of methionine by threonine at amino acid 684 (p.Met684Thr). Although this variant has been observed in germline cases, to our knowledge, this variant has not been reported in individuals with DICER1-related tumor predisposition (PS4 not met; Internal lab contributors). The total allele frequency in gnomAD v4.1.0 is 0.000001863 (3/1609982 alleles) with a highest population minor allele frequency of 0.00002672 (2/74840 alleles) in the African/African American population (PM2_Supporting, BS1, and BA1 are not met). In silico tools predict no damaging impact of the variant on protein function (REVEL: 0.345; MaxEntScan and SpliceAI: no effect on splicing) (BP4). In summary, this variant meets the criteria to be classified as Uncertain Significance for DICER1-related tumor predisposition based on the ACMG/AMP criteria applied, as specified by the ClinGen DICER1 VCEP: BP4. (Bayesian Points: -1; VCEP specifications version 1.3.0; 01/07/2025)

Labcorp Genetics (formerly Invitae), Labcorp
Classification: Uncertain significance for DICER1-related tumor predisposition. Last evaluated: 2026-01-21. Review status: criteria provided, single submitter. Criteria: Invitae Variant Classification Sherloc (09022015). Collection method: clinical testing. Allele origin: germline. Not counted in ClinVar's aggregate classification.
Comment: This sequence change replaces methionine, which is neutral and non-polar, with threonine, which is neutral and polar, at codon 684 of the DICER1 protein (p.Met684Thr). This variant is present in population databases (no rsID available, gnomAD 0.02%). This variant has not been reported in the literature in individuals affected with DICER1-related conditions. ClinVar contains an entry for this variant (Variation ID: 479642). Invitae Evidence Modeling of protein sequence and biophysical properties (such as structural, functional, and spatial information, amino acid conservation, physicochemical variation, residue mobility, and thermodynamic stability) has been performed for this missense variant. However, the output from this modeling did not meet the statistical confidence thresholds required to predict the impact of this variant on DICER1 protein function. In summary, the available evidence is currently insufficient to determine the role of this variant in disease. Therefore, it has been classified as a Variant of Uncertain Significance.

Ambry Genetics
Classification: Uncertain significance for Hereditary cancer-predisposing syndrome. Last evaluated: 2025-10-01. Review status: criteria provided, single submitter. Criteria: Ambry Variant Classification Scheme 2023. Collection method: clinical testing. Allele origin: germline. Not counted in ClinVar's aggregate classification.
Comment: The p.M684T variant (also known as c.2051T>C), located in coding exon 12 of the DICER1 gene, results from a T to C substitution at nucleotide position 2051. The methionine at codon 684 is replaced by threonine, an amino acid with similar properties. This amino acid position is well conserved in available vertebrate species. In addition, the in silico prediction for this alteration is inconclusive. Based on the available evidence, the clinical significance of this variant remains unclear.

GeneDx
Classification: Uncertain significance. Last evaluated: 2022-12-02. Review status: criteria provided, single submitter. Criteria: GeneDx Variant Classification Process June 2021. Collection method: clinical testing. Allele origin: germline. Affected: yes. Not counted in ClinVar's aggregate classification.
Comment: Not observed at significant frequency in large population cohorts (gnomAD); In silico analysis supports that this missense variant has a deleterious effect on protein structure/function; Has not been previously published as pathogenic or benign to our knowledge

NM_177438.3(DICER1):c.2051T>C (p.Met684Thr)

Gene: DICER1 (dicer 1, ribonuclease III; minus strand). Cytogenetic location: 14q32.13.
Variant type: single nucleotide variant.
Coding change: c.2051T>C on transcript NM_177438.3 (MANE Select); coding-DNA position 2051, T replaced by C.
Protein change: p.Met684Thr; replaces methionine 684 with threonine.
Molecular consequence: missense variant.
Genome position (GRCh38, 1-based): chr14:95,112,237, A>G on the plus strand (T>C on the coding strand, the complement: DICER1 is on the minus strand). VCF-style: chr14-95112237-A-G. GRCh37 (hg19) VCF-style: chr14-95578574-A-G.
Other names: NM_177438.3(DICER1):c.2051T>C; p.Met684Thr; c.2051T>C, p.Met684Thr (NM_001195573.1, NM_001271282.3, NM_001291628.2 and 1 more transcripts); short protein forms M684T.
Identifiers: ClinVar variation 479642 (VCV000479642.18), dbSNP rs1319798252, ClinGen allele CA390883127.